The following is an entry in ClinVar:

ClinVar aggregate classification (germline): Uncertain significance (1 of 4 stars; one submission).

Conditions:
Hereditary cancer-predisposing syndrome. Also called: Tumor predisposition; Neoplastic Syndromes, Hereditary; Hereditary neoplastic syndrome; Hereditary Cancer Syndrome. Identifiers: Orphanet 140162, MedGen C0027672, MeSH D009386, MONDO:0015356.

Submission:

Ambry Genetics
Classification: Uncertain significance for Hereditary cancer-predisposing syndrome. Last evaluated: 2025-07-02. Review status: criteria provided, single submitter. Criteria: Ambry Variant Classification Scheme 2023. Collection method: clinical testing. Allele origin: germline.
Comment: The p.F134V variant (also known as c.400T>G), located in coding exon 2 of the MSH6 gene, results from a T to G substitution at nucleotide position 400. The phenylalanine at codon 134 is replaced by valine, an amino acid with highly similar properties. This amino acid position is conserved. In addition, this alteration is predicted to be deleterious by in silico analysis. Based on the available evidence, the clinical significance of this variant remains unclear.

NM_000179.3(MSH6):c.400T>G (p.Phe134Val)

Gene: MSH6 (mutS homolog 6; plus strand). Cytogenetic location: 2p16.3.
Variant type: single nucleotide variant.
Coding change: c.400T>G on transcript NM_000179.3 (MANE Select); coding-DNA position 400, T replaced by G.
Protein change: p.Phe134Val; replaces phenylalanine 134 with valine.
Molecular consequence: missense variant. On other transcripts: 5 prime UTR variant (7), non-coding transcript variant (5), intron variant (6).
Genome position (GRCh38, 1-based): chr2:47,791,066, T>G. VCF-style: chr2-47791066-T-G. GRCh37 (hg19) VCF-style: chr2-48018205-T-G.
Other names: c.-337T>G (NM_001281493.2, NM_001406811.1, NM_001406823.1 and 1 more transcripts); c.-503T>G (NM_001281494.2); c.496T>G, p.Phe166Val (NM_001406795.1, NM_001406802.1); c.400T>G, p.Phe134Val (NM_001406796.1, NM_001406798.1, NM_001406800.1 and 6 more transcripts); c.103T>G, p.Phe35Val (NM_001406797.1, NM_001406801.1, NM_001406805.1 and 10 more transcripts); c.322T>G, p.Phe108Val (NM_001406804.1); c.-529T>G (NM_001406807.1); c.-595T>G (NM_001406814.1); and 5 more; short protein forms F108V, F166V, F35V, F134V, F78V.
Identifiers: ClinVar variation 4111201 (VCV004111201.1).
Genomic context (GRCh38, chr2:47,791,066, plus strand): 5'-CCCTTTGATGGAACATTCATCCGCGAGAAAGGGAAATCAGTCCGTGTTCATGTACAGTTT[T>G]TTGATGACAGCCCAACAAGGGGCTGGGTTAGCAAAAGGCTTTTAAAGCCATATACAGGTA-3'
Protein context (NP_000170.1, residues 124-144): GKSVRVHVQF[Phe134Val]DDSPTRGWVS